The following is an entry in ClinVar:

NM_025099.6(CTC1):c.16G>T (p.Ala6Ser)

Genes: CTC1 (CST telomere replication complex component 1; minus strand), PFAS (phosphoribosylformylglycinamidine synthase; plus strand). Cytogenetic location: 17p13.1.
Variant type: single nucleotide variant.
Coding change: c.16G>T on transcript NM_025099.6 (MANE Select); coding-DNA position 16, G replaced by T.
Protein change: p.Ala6Ser; replaces alanine 6 with serine.
Molecular consequence: missense variant. On other transcripts: non-coding transcript variant (1).
Genome position (GRCh38, 1-based): chr17:8,248,021, C>A on the plus strand (G>T on the coding strand, the complement: CTC1 is on the minus strand). VCF-style: chr17-8248021-C-A. GRCh37 (hg19) VCF-style: chr17-8151339-C-A.
Other names: c.16G>T, p.Ala6Ser (NM_001411067.1); c.16G>T (NM_025099.5); short protein forms A6S.
Identifiers: ClinVar variation 2149900 (VCV002149900.5), dbSNP rs753797185, ClinGen allele CA8372763.
Genomic context (GRCh38, chr17:8,248,021, plus strand): 5'-CAAACAAGAAAAAAGGAACAAGAGACGTAATAGCAGCACTCACGGAGGAAGGGACCTGGG[C>A]CCGGCCAGCCGCCATGATGCGCCGGAGCTCCGCCCCCGGGAGGGGCAGGTGCTCGCTTGG-3'
Protein context (NP_079375.3, residues 1-16): MAAGR[Ala6Ser]QVPSSEQAWL

ClinVar aggregate classification (germline): Uncertain significance. Review status: criteria provided, multiple submitters, no conflicts (2 of 4 stars). 2 submissions from 2 submitters: Uncertain significance (2). Last evaluated 2024-03-04.

Conditions:
Inborn genetic diseases. Identifiers: MedGen C0950123, MeSH D030342.
Dyskeratosis congenita. Identifiers: Orphanet 1775, MedGen C0265965, MONDO:0015780.

Allele frequency attached by ClinVar (database versions not stated): ExAC 0.00004.
gnomAD v4.1: 6 of 1,609,084 alleles (0.00037%); highest among the groups gnomAD compares: Admixed American, 0.0084%; no homozygotes.

Submissions (2):

Labcorp Genetics (formerly Invitae), Labcorp
Classification: Uncertain significance for Dyskeratosis congenita. Last evaluated: 2024-03-04. Review status: criteria provided, single submitter. Criteria: Invitae Variant Classification Sherloc (09022015). Collection method: clinical testing. Allele origin: germline.
Comment: This sequence change replaces alanine, which is neutral and non-polar, with serine, which is neutral and polar, at codon 6 of the CTC1 protein (p.Ala6Ser). This variant is present in population databases (rs753797185, gnomAD 0.01%). This variant has not been reported in the literature in individuals affected with CTC1-related conditions. ClinVar contains an entry for this variant (Variation ID: 2149900). An algorithm developed to predict the effect of missense changes on protein structure and function (PolyPhen-2) suggests that this variant is likely to be tolerated. In summary, the available evidence is currently insufficient to determine the role of this variant in disease. Therefore, it has been classified as a Variant of Uncertain Significance.

Ambry Genetics
Classification: Uncertain significance for Inborn genetic diseases. Last evaluated: 2022-08-12. Review status: criteria provided, single submitter. Criteria: Ambry Variant Classification Scheme 2023. Collection method: clinical testing. Allele origin: germline.